The following is an entry in ClinVar:

NM_025179.4(PLXNA2):c.4645G>A (p.Val1549Met)

Gene: PLXNA2 (plexin A2; minus strand). Cytogenetic location: 1q32.2.
Variant type: single nucleotide variant.
Coding change: c.4645G>A on transcript NM_025179.4 (MANE Select); coding-DNA position 4645, G replaced by A.
Protein change: p.Val1549Met; replaces valine 1549 with methionine.
Molecular consequence: missense variant.
Genome position (GRCh38, 1-based): chr1:208,038,840, C>T on the plus strand (G>A on the coding strand, the complement: PLXNA2 is on the minus strand). VCF-style: chr1-208038840-C-T. GRCh37 (hg19) VCF-style: chr1-208212185-C-T.
Other names: short protein forms V1549M.
Identifiers: ClinVar variation 4977374 (VCV004977374.1).

ClinVar aggregate classification (germline): Uncertain significance (1 of 4 stars; one submission).

Conditions:
PLXNA2-related disorder. Also called: PLXNA2-related condition.

gnomAD v4.1: 11 of 1,613,872 alleles (0.00068%); highest among the groups gnomAD compares: Non-Finnish European, 0.00093%; no homozygotes.

Submission:

PreventionGenetics, part of Exact Sciences
Classification: Uncertain significance for PLXNA2-related condition. Last evaluated: 2026-06-25. Review status: criteria provided, single submitter. Criteria: ACMG Guidelines, 2015. Collection method: clinical testing. Allele origin: germline.
Comment: The PLXNA2 c.4645G>A variant is predicted to result in the amino acid substitution p.Val1549Met. To our knowledge, this variant has not been reported in the literature. This variant is reported in 0.00088% of alleles in individuals of European (Non-Finnish) descent in gnomAD. At this time, the clinical significance of this variant is uncertain due to the absence of conclusive functional and genetic evidence.